The following is an entry in ClinVar:

ClinVar aggregate classification (germline): Conflicting classifications of pathogenicity. Review status: criteria provided, conflicting classifications (1 of 4 stars). 2 submissions from 2 submitters: Uncertain significance (1); Likely benign (1). Last evaluated 2025-06-06.

Conditions:
Inborn genetic diseases. Identifiers: MedGen C0950123, MeSH D030342.
Short-rib thoracic dysplasia 6 with or without polydactyly (SRTD6). Also called: SHORT RIB-POLYDACTYLY SYNDROME, TYPE IIA; Majewski Syndrome; POLYDACTYLY WITH NEONATAL CHONDRODYSTROPHY, TYPE II; SHORT-RIB THORACIC DYSPLASIA 6 WITH POLYDACTYLY; SHORT-RIB THORACIC DYSPLASIA 6 WITHOUT POLYDACTYLY. Identifiers: MedGen C0024507, MONDO:0009894, OMIM 263520.

gnomAD v4.1: 10 of 1,613,608 alleles (0.00062%); highest among the groups gnomAD compares: East Asian, 0.0022%; no homozygotes.

Submissions (2):

Ambry Genetics
Classification: Likely benign for Inborn genetic diseases. Last evaluated: 2025-06-06. Review status: criteria provided, single submitter. Criteria: Ambry Variant Classification Scheme 2023. Collection method: clinical testing. Allele origin: germline.

Labcorp Genetics (formerly Invitae), Labcorp
Classification: Uncertain significance for Short-rib thoracic dysplasia 6 with or without polydactyly. Last evaluated: 2025-02-04. Review status: criteria provided, single submitter. Criteria: Invitae Variant Classification Sherloc (09022015). Collection method: clinical testing. Allele origin: germline.
Comment: This sequence change replaces tyrosine, which is neutral and polar, with histidine, which is basic and polar, at codon 470 of the NEK1 protein (p.Tyr470His). This variant is present in population databases (no rsID available, gnomAD 0.006%). This variant has not been reported in the literature in individuals affected with NEK1-related conditions. Invitae Evidence Modeling of protein sequence and biophysical properties (such as structural, functional, and spatial information, amino acid conservation, physicochemical variation, residue mobility, and thermodynamic stability) indicates that this missense variant is not expected to disrupt NEK1 protein function with a negative predictive value of 95%. In summary, the available evidence is currently insufficient to determine the role of this variant in disease. Therefore, it has been classified as a Variant of Uncertain Significance.

NM_001199397.3(NEK1):c.1408T>C (p.Tyr470His)

Gene: NEK1 (NIMA related kinase 1; minus strand). Cytogenetic location: 4q33.
Variant type: single nucleotide variant.
Coding change: c.1408T>C on transcript NM_001199397.3 (MANE Select); coding-DNA position 1408, T replaced by C.
Protein change: p.Tyr470His; replaces tyrosine 470 with histidine.
Molecular consequence: missense variant. On other transcripts: non-coding transcript variant (1).
Genome position (GRCh38, 1-based): chr4:169,555,954, A>G on the plus strand (T>C on the coding strand, the complement: NEK1 is on the minus strand). VCF-style: chr4-169555954-A-G. GRCh37 (hg19) VCF-style: chr4-170477105-A-G.
Other names: c.1408T>C, p.Tyr470His (NM_001199398.3, NM_001199400.3, NM_001374418.1 and 2 more transcripts); c.1333T>C, p.Tyr445His (NM_001199399.3); c.1357T>C, p.Tyr453His (NM_001374420.1); c.1282T>C, p.Tyr428His (NM_001374421.1); c.1408T>C (NM_012224.2); short protein forms Y445H, Y470H, Y428H, Y453H.
Identifiers: ClinVar variation 3702643 (VCV003702643.3).